The following is an entry in ClinVar:

ClinVar aggregate classification (germline): Pathogenic (1 of 4 stars; one submission).

Conditions:
GRN-related frontotemporal lobar degeneration with Tdp43 inclusions (FTD2). Also called: GRN Frontotemporal Dementia; FRONTOTEMPORAL DEMENTIA WITH TDP43 INCLUSIONS, GRN-RELATED; DEMENTIA, HEREDITARY DYSPHASIC DISINHIBITION; FRONTOTEMPORAL LOBAR DEGENERATION WITH UBIQUITIN-POSITIVE INCLUSIONS; FTLD-TDP, GRN-RELATED. Identifiers: Orphanet 100070, Orphanet 282, MedGen C1843792, MONDO:0011842, OMIM 607485. Disease mechanism: loss of function.
Neuronal ceroid lipofuscinosis 11. Also called: GRN-Related Neuronal Ceroid-Lipofuscinosis. Identifiers: Orphanet 314629, Orphanet 79262, MedGen C3539123, MONDO:0013866, OMIM 614706.

Submission:

Labcorp Genetics (formerly Invitae), Labcorp
Classification: Pathogenic for Neuronal ceroid lipofuscinosis 11; GRN-related frontotemporal lobar degeneration with Tdp43 inclusions. Last evaluated: 2023-07-28. Review status: criteria provided, single submitter. Criteria: Invitae Variant Classification Sherloc (09022015). Collection method: clinical testing. Allele origin: germline.
Comment: This premature translational stop signal has been observed in individual(s) with frontotemporal dementia (PMID: 27082848). This variant is not present in population databases (gnomAD no frequency). This sequence change creates a premature translational stop signal (p.Gln130*) in the GRN gene. It is expected to result in an absent or disrupted protein product. Loss-of-function variants in GRN are known to be pathogenic (PMID: 16862116, 16950801, 22608501). For these reasons, this variant has been classified as Pathogenic.

Literature cited by the submitters: PubMed 27082848; PubMed 16862116; PubMed 16950801; PubMed 22608501.

NM_002087.4(GRN):c.388C>T (p.Gln130Ter)

Gene: GRN (granulin precursor; plus strand). Cytogenetic location: 17q21.31.
Variant type: single nucleotide variant.
Coding change: c.388C>T on transcript NM_002087.4 (MANE Select); coding-DNA position 388, C replaced by T.
Protein change: p.Gln130Ter; replaces glutamine 130 with a stop codon.
Molecular consequence: nonsense.
Genome position (GRCh38, 1-based): chr17:44,350,266, C>T. VCF-style: chr17-44350266-C-T. GRCh37 (hg19) VCF-style: chr17-42427634-C-T.
Other names: short protein forms Q130*.
Identifiers: ClinVar variation 2925624 (VCV002925624.3), dbSNP rs2510055303, ClinGen allele CA399762798.
Genomic context (GRCh38, chr17:44,350,266, plus strand): 5'-TCCTGGGTCATCTTGTCCACAGGTAACAACTCCGTGGGTGCCATCCAGTGCCCTGATAGT[C>T]AGTTCGAATGCCCGGACTTCTCCACGTGCTGTGTTATGGTCGATGGCTCCTGGGGGTGCT-3'